The following is an entry in ClinVar:

NM_015072.5(TTLL5):c.2261dup (p.Asp754fs)

Gene: TTLL5 (tubulin tyrosine ligase like 5; plus strand). Cytogenetic location: 14q24.3.
Variant type: Duplication.
Coding change: c.2261dup on transcript NM_015072.5 (MANE Select); coding-DNA position 2261, one base duplicated (A; older notation c.2261dupA).
Protein change: p.Asp754fs; shifts the reading frame from aspartic acid 754.
Molecular consequence: frameshift variant.
Genome position (GRCh38, 1-based): chr14:75,775,608, A duplicated. VCF-style (leftmost placement, unchanged base first): chr14-75775607-G-GA. GRCh37 (hg19) VCF-style: chr14-76241950-G-GA.
Other names: short protein forms D754fs.
Identifiers: ClinVar variation 852337 (VCV000852337.8), dbSNP rs1891670149, ClinGen allele CA916083389.

ClinVar aggregate classification (germline): Pathogenic (1 of 4 stars; one submission).

Allele frequency attached by ClinVar (database versions not stated): gnomAD exomes below 0.00001.

Submission:

Labcorp Genetics (formerly Invitae), Labcorp
Classification: Pathogenic. Last evaluated: 2023-10-03. Review status: criteria provided, single submitter. Criteria: Invitae Variant Classification Sherloc (09022015). Collection method: clinical testing. Allele origin: germline.
Comment: This sequence change creates a premature translational stop signal (p.Asp754Glufs*15) in the TTLL5 gene. It is expected to result in an absent or disrupted protein product. Loss-of-function variants in TTLL5 are known to be pathogenic (PMID: 24791901, 27162334). This variant is not present in population databases (gnomAD no frequency). This variant has not been reported in the literature in individuals affected with TTLL5-related conditions. ClinVar contains an entry for this variant (Variation ID: 852337). For these reasons, this variant has been classified as Pathogenic.

Literature cited by the submitters: PubMed 24791901; PubMed 27162334.